The following is an entry in ClinVar:

ClinVar aggregate classification (germline): Likely pathogenic (1 of 4 stars; one submission).

Conditions:
Hereditary nonpolyposis colorectal neoplasms. Identifiers: MedGen C0009405, MeSH D003123.

Submission:

Labcorp Genetics (formerly Invitae), Labcorp
Classification: Likely pathogenic for Hereditary nonpolyposis colorectal neoplasms. Last evaluated: 2023-11-09. Review status: criteria provided, single submitter. Criteria: Invitae Variant Classification Sherloc (09022015). Collection method: clinical testing. Allele origin: germline.
Comment: This variant results in a copy number gain of the genomic region encompassing exon(s) 9 to 13 of the PMS2 gene. While the exact position of this variant cannot be determined from the data, sub-genic copy number gains are generally in tandem (PMID: 25640679). This variant is predicted to be out-of-frame, and may result in an absent or disrupted protein product. Loss-of-function variants in PMS2 are known to be pathogenic (PMID: 21376568, 24362816). This variant has not been reported in the literature in individuals affected with PMS2-related conditions. In summary, the currently available evidence indicates that the variant is pathogenic, but additional data are needed to prove that conclusively. Therefore, this variant has been classified as Likely Pathogenic.

Literature cited by the submitters: PubMed 25640679; PubMed 21376568; PubMed 24362816.

NC_000007.13:g.(?_6018217)_(6022632_?)dup

Gene: PMS2 (PMS1 homolog 2, mismatch repair system component; minus strand). Cytogenetic location: 7p22.1.
Variant type: Duplication.
Identifiers: ClinVar variation 1510926 (VCV001510926.6).